The following is an entry in ClinVar:

NM_001244008.2(KIF1A):c.4411A>G (p.Ser1471Gly)

Gene: KIF1A (kinesin family member 1A; minus strand). Cytogenetic location: 2q37.3.
Variant type: single nucleotide variant.
Coding change: c.4411A>G on transcript NM_001244008.2 (MANE Select); coding-DNA position 4411, A replaced by G.
Protein change: p.Ser1471Gly; replaces serine 1471 with glycine.
Molecular consequence: missense variant.
Genome position (GRCh38, 1-based): chr2:240,723,466, T>C on the plus strand (A>G on the coding strand, the complement: KIF1A is on the minus strand). VCF-style: chr2-240723466-T-C. GRCh37 (hg19) VCF-style: chr2-241662883-T-C.
Other names: c.4135A>G, p.Ser1379Gly (NM_001320705.2, NM_001379649.1); c.4162A>G, p.Ser1388Gly (NM_001330289.2); c.4210A>G, p.Ser1404Gly (NM_001330290.2, NM_001379648.1); c.4486A>G, p.Ser1496Gly (NM_001379631.1); c.4387A>G, p.Ser1463Gly (NM_001379632.1); c.4384A>G, p.Ser1462Gly (NM_001379633.1, NM_001379645.1); c.4237A>G, p.Ser1413Gly (NM_001379634.1); c.4234A>G, p.Ser1412Gly (NM_001379635.1, NM_001379646.1); and 7 more; short protein forms S1369G, S1370G, S1378G, S1379G, S1387G, S1388G, S1395G, S1404G.
Identifiers: ClinVar variation 2504177 (VCV002504177.1), dbSNP rs2536722017, ClinGen allele CA351305225.

ClinVar aggregate classification (germline): Uncertain significance (1 of 4 stars; one submission).

Submission:

GeneDx
Classification: Uncertain significance. Last evaluated: 2023-06-01. Review status: criteria provided, single submitter. Criteria: GeneDx Variant Classification Process June 2021. Collection method: clinical testing. Allele origin: germline. Affected: yes.
Comment: Not observed at significant frequency in large population cohorts (gnomAD); In silico analysis supports that this missense variant has a deleterious effect on protein structure/function; Has not been previously published as pathogenic or benign to our knowledge